The following is an entry in ClinVar:

NM_014629.4(ARHGEF10):c.-48+1990A>T

Gene: ARHGEF10 (Rho guanine nucleotide exchange factor 10; plus strand). Cytogenetic location: 8p23.3.
Variant type: single nucleotide variant.
Coding change: c.-48+1990A>T on transcript NM_014629.4 (MANE Select); 1990 bases into the intron after 48 bases upstream of the start codon, A replaced by T.
Molecular consequence: intron variant. On other transcripts: 5 prime UTR variant (1).
Genome position (GRCh38, 1-based): chr8:1,826,103, A>T. VCF-style: chr8-1826103-A-T. GRCh37 (hg19) VCF-style: chr8-1774269-A-T.
Other names: c.-80A>T (NM_001308153.3); c.-48+2617A>T (NM_001438092.1); c.-48+1990A>T (NM_001438091.1, NM_001308152.2, NM_001438094.1 and 1 more transcripts).
Identifiers: ClinVar variation 4981105 (VCV004981105.1).

ClinVar aggregate classification (germline): Likely benign (1 of 4 stars; one submission).

Conditions:
ARHGEF10-related disorder. Also called: ARHGEF10-related condition.

Submission:

PreventionGenetics, part of Exact Sciences
Classification: Likely benign for ARHGEF10-related condition. Last evaluated: 2026-03-28. Review status: criteria provided, single submitter. Criteria: ACMG Guidelines, 2015. Collection method: clinical testing. Allele origin: germline.
Comment: This variant is classified as likely benign based on ACMG/AMP sequence variant interpretation guidelines (Richards et al. 2015 PMID: 25741868, with internal and published modifications).